The following is an entry in ClinVar:

NM_001242896.3(DEPDC5):c.3486-2A>T

Gene: DEPDC5 (DEP domain containing 5, GATOR1 subcomplex subunit; plus strand). Cytogenetic location: 22q12.3.
Variant type: single nucleotide variant.
Coding change: c.3486-2A>T on transcript NM_001242896.3 (MANE Select); the canonical splice acceptor site of the intron before coding-DNA position 3486, A replaced by T.
Molecular consequence: splice acceptor variant. On other transcripts: non-coding transcript variant (1).
Genome position (GRCh38, 1-based): chr22:31,873,253, A>T. VCF-style: chr22-31873253-A-T. GRCh37 (hg19) VCF-style: chr22-32269239-A-T.
Other names: c.3486-2A>T (NM_001364318.2); c.3459-2A>T (NM_001136029.4); c.3393-2A>T (NM_014662.6, NM_001369903.1); c.3420-2A>T (NM_001363852.2, NM_001364320.2); c.3252-2A>T (NM_001363854.2, NM_001364319.2); c.3186-2A>T (NM_001242897.2); c.3402-2A>T (NM_001369902.1, NM_001369901.1).
Identifiers: ClinVar variation 4845368 (VCV004845368.2).

ClinVar aggregate classification (germline): Pathogenic (1 of 4 stars; one submission).

Conditions:
Epilepsy, familial focal, with variable foci 1 (FFEVF1). Also called: DEPDC5-Related Epilepsy. Identifiers: MedGen C4551983, MONDO:0024556, OMIM 604364.

Submission:

Institute of Human Genetics, University of Leipzig Medical Center
Classification: Pathogenic for Epilepsy, familial focal, with variable foci 1. Last evaluated: 2026-03-16. Review status: criteria provided, single submitter. Criteria: ACMG Guidelines, 2015. Collection method: clinical testing. Allele origin: paternal. Inheritance: Autosomal dominant inheritance. Affected: yes.
Comment: Criteria applied: PVS1,PM2